The following is an entry in ClinVar:

NM_004497.3(FOXA3):c.-9G>C

Genes: FOXA3 (forkhead box A3; plus strand), LOC130064732 (ATAC-STARR-seq lymphoblastoid silent region 10801; plus strand). Cytogenetic location: 19q13.32.
Variant type: single nucleotide variant.
Coding change: c.-9G>C on transcript NM_004497.3 (MANE Select); 9 bases upstream of the start codon, G replaced by C.
Molecular consequence: 5 prime UTR variant.
Genome position (GRCh38, 1-based): chr19:45,864,448, G>C. VCF-style: chr19-45864448-G-C. GRCh37 (hg19) VCF-style: chr19-46367706-G-C.
Identifiers: ClinVar variation 3052478 (VCV003052478.2), dbSNP rs547423844, ClinGen allele CA9524403.

ClinVar aggregate classification (germline): Likely benign (0 of 4 stars; one submission).

Conditions:
FOXA3-related disorder. Also called: FOXA3-related condition.

Allele frequency attached by ClinVar (database versions not stated): gnomAD 0.00003; TOPMed 0.00003; ExAC 0.00007; 1000 Genomes Project 30x 0.00016; 1000 Genomes Project 0.00020.
gnomAD v4.1: 24 of 1,459,678 alleles (0.0016%); highest among the groups gnomAD compares: East Asian, 0.016%; no homozygotes.

Submission:

PreventionGenetics, part of Exact Sciences
Classification: Likely benign for FOXA3-related condition. Last evaluated: 2019-08-29. Review status: no assertion criteria provided. Collection method: clinical testing. Allele origin: germline.
Comment: This variant is classified as likely benign based on ACMG/AMP sequence variant interpretation guidelines (Richards et al. 2015 PMID: 25741868, with internal and published modifications).